The following is an entry in ClinVar:

ClinVar aggregate classification (germline): Uncertain significance. Review status: criteria provided, multiple submitters, no conflicts (2 of 4 stars). 2 submissions from 2 submitters: Uncertain significance (2). Last evaluated 2024-10-20.

Conditions:
Inborn genetic diseases. Identifiers: MedGen C0950123, MeSH D030342.

Allele frequency attached by ClinVar (database versions not stated): ExAC 0.00001; gnomAD 0.00001; gnomAD exomes 0.00004.
gnomAD v4.1: 57 of 1,613,900 alleles (0.0035%); highest among the groups gnomAD compares: Non-Finnish European, 0.0048%; no homozygotes.

Submissions (2):

Labcorp Genetics (formerly Invitae), Labcorp
Classification: Uncertain significance. Last evaluated: 2024-10-20. Review status: criteria provided, single submitter. Criteria: Invitae Variant Classification Sherloc (09022015). Collection method: clinical testing. Allele origin: germline.
Comment: This sequence change replaces serine, which is neutral and polar, with arginine, which is basic and polar, at codon 475 of the DMP1 protein (p.Ser475Arg). This variant is present in population databases (rs776998280, gnomAD 0.0009%). This variant has not been reported in the literature in individuals affected with DMP1-related conditions. Invitae Evidence Modeling of protein sequence and biophysical properties (such as structural, functional, and spatial information, amino acid conservation, physicochemical variation, residue mobility, and thermodynamic stability) has been performed for this missense variant. However, the output from this modeling did not meet the statistical confidence thresholds required to predict the impact of this variant on DMP1 protein function. In summary, the available evidence is currently insufficient to determine the role of this variant in disease. Therefore, it has been classified as a Variant of Uncertain Significance.

Ambry Genetics
Classification: Uncertain significance for Inborn genetic diseases. Last evaluated: 2024-02-13. Review status: criteria provided, single submitter. Criteria: Ambry Variant Classification Scheme 2023. Collection method: clinical testing. Allele origin: germline.

NM_004407.4(DMP1):c.1425T>A (p.Ser475Arg)

Genes: DMP1 (dentin matrix acidic phosphoprotein 1; plus strand), DMP1-AS1 (DMP1 and DSPP antisense RNA 1; minus strand). Cytogenetic location: 4q22.1.
Variant type: single nucleotide variant.
Coding change: c.1425T>A on transcript NM_004407.4 (MANE Select); coding-DNA position 1425, T replaced by A.
Protein change: p.Ser475Arg; replaces serine 475 with arginine.
Molecular consequence: missense variant.
Genome position (GRCh38, 1-based): chr4:87,663,203, T>A. VCF-style: chr4-87663203-T-A. GRCh37 (hg19) VCF-style: chr4-88584355-T-A.
Other names: c.1377T>A, p.Ser459Arg (NM_001079911.3); short protein forms S475R, S459R.
Identifiers: ClinVar variation 3083093 (VCV003083093.3), dbSNP rs776998280, ClinGen allele CA3002203.